The following is an entry in ClinVar:

NM_000489.6(ATRX):c.5210C>A (p.Ser1737Tyr)

Gene: ATRX (ATRX chromatin remodeler; minus strand). Cytogenetic location: Xq21.1.
Variant type: single nucleotide variant.
Coding change: c.5210C>A on transcript NM_000489.6 (MANE Select); coding-DNA position 5210, C replaced by A.
Protein change: p.Ser1737Tyr; replaces serine 1737 with tyrosine.
Molecular consequence: missense variant.
Genome position (GRCh38, 1-based): chrX:77,620,457, G>T on the plus strand (C>A on the coding strand, the complement: ATRX is on the minus strand). VCF-style: chrX-77620457-G-T. GRCh37 (hg19) VCF-style: chrX-76875925-G-T.
Other names: c.5096C>A, p.Ser1699Tyr (NM_138270.5); short protein forms S1699Y, S1737Y.
Identifiers: ClinVar variation 3730866 (VCV003730866.1).

ClinVar aggregate classification (germline): Pathogenic (1 of 4 stars; one submission).

Submission:

GeneDx
Classification: Pathogenic. Last evaluated: 2024-08-16. Review status: criteria provided, single submitter. Criteria: GeneDx Variant Classification Process June 2021. Collection method: clinical testing. Allele origin: germline. Affected: yes.
Comment: Not observed at significant frequency in large population cohorts (gnomAD); In silico analysis supports that this missense variant has a deleterious effect on protein structure/function; Has not been previously published as pathogenic or benign to our knowledge; This variant is associated with the following publications: (PMID: 18409179)